The following is an entry in ClinVar:

NM_001378609.3(OTOGL):c.6968G>A (p.Arg2323Gln)

Gene: OTOGL (otogelin like; plus strand). Cytogenetic location: 12q21.31.
Variant type: single nucleotide variant.
Coding change: c.6968G>A on transcript NM_001378609.3 (MANE Select); coding-DNA position 6968, G replaced by A.
Protein change: p.Arg2323Gln; replaces arginine 2323 with glutamine.
Molecular consequence: missense variant.
Genome position (GRCh38, 1-based): chr12:80,377,954, G>A. VCF-style: chr12-80377954-G-A. GRCh37 (hg19) VCF-style: chr12-80771734-G-A.
Other names: c.6833G>A, p.Arg2278Gln (NM_001368062.3); c.6968G>A, p.Arg2323Gln (NM_001378610.3, NM_173591.7); short protein forms R2314Q, R2278Q, R2323Q.
Identifiers: ClinVar variation 504851 (VCV000504851.22), dbSNP rs143495342, ClinGen allele CA6702207.

ClinVar aggregate classification (germline): Conflicting classifications of pathogenicity. Review status: criteria provided, conflicting classifications (1 of 4 stars). 6 submissions from 6 submitters: Uncertain significance (1); Likely benign (4). 1 of the submissions does not count toward it. Last evaluated 2026-01-01.

Conditions:
OTOGL-related disorder. Also called: OTOGL-related condition.
Inborn genetic diseases. Identifiers: MedGen C0950123, MeSH D030342.

Allele frequency attached by ClinVar (database versions not stated): 1000 Genomes Project 0.00120; 1000 Genomes Project 30x 0.00125; gnomAD exomes 0.00138 and 0.00159; gnomAD 0.00160 and 0.00168; TOPMed 0.00167; ESP Exome Variant Server 0.00185; ExAC 0.00203.
gnomAD v4.1: 2,543 of 1,608,672 alleles (0.16%); highest among the groups gnomAD compares: African/African-American, 0.19%; 4 homozygotes.

Submissions (6):

Labcorp Genetics (formerly Invitae), Labcorp
Classification: Likely benign. Last evaluated: 2026-01-01. Review status: criteria provided, single submitter. Criteria: Invitae Variant Classification Sherloc (09022015). Collection method: clinical testing. Allele origin: germline.

Blueprint Genetics
Classification: Likely benign. Last evaluated: 2024-11-25. Review status: criteria provided, single submitter. Criteria: ACMG Guidelines, 2015. Collection method: clinical testing. Allele origin: germline.

Ambry Genetics
Classification: Likely benign for Inborn genetic diseases. Last evaluated: 2024-10-29. Review status: criteria provided, single submitter. Criteria: Ambry Variant Classification Scheme 2023. Collection method: clinical testing. Allele origin: germline.

GeneDx
Classification: Uncertain significance. Last evaluated: 2021-05-25. Review status: criteria provided, single submitter. Criteria: GeneDx Variant Classification Process June 2021. Collection method: clinical testing. Allele origin: germline. Affected: yes.
Comment: In silico analysis supports that this missense variant does not alter protein structure/function; Has not been previously published as pathogenic or benign to our knowledge

Laboratory for Molecular Medicine, Mass General Brigham Personalized Medicine
Classification: Likely benign. Last evaluated: 2016-04-25. Review status: criteria provided, single submitter. Criteria: LMM Criteria. Collection method: clinical testing. Allele origin: germline. Observed: 7 variant alleles.
Comment: p.Arg2314Gln in exon 58 of OTOGL: This variant is not expected to have clinical significance because it has been identified in 0.3% (148/4656) of European chrom osomes by the Exome Aggregation Consortium (ExAC ; dbSNP rs14395342).

PreventionGenetics, part of Exact Sciences
Classification: Likely benign for OTOGL-related condition. Last evaluated: 2023-08-15. Review status: no assertion criteria provided. Collection method: clinical testing. Allele origin: germline. Not counted in ClinVar's aggregate classification.
Comment: This variant is classified as likely benign based on ACMG/AMP sequence variant interpretation guidelines (Richards et al. 2015 PMID: 25741868, with internal and published modifications).